The following is an entry in ClinVar:

NM_177438.3(DICER1):c.4068G>A (p.Leu1356=)

Gene: DICER1 (dicer 1, ribonuclease III; minus strand). Cytogenetic location: 14q32.13.
Variant type: single nucleotide variant.
Coding change: c.4068G>A on transcript NM_177438.3 (MANE Select); coding-DNA position 4068, G replaced by A.
Protein change: p.Leu1356=; no amino-acid change (leucine 1356 retained).
Molecular consequence: synonymous variant.
Genome position (GRCh38, 1-based): chr14:95,099,918, C>T on the plus strand (G>A on the coding strand, the complement: DICER1 is on the minus strand). VCF-style: chr14-95099918-C-T. GRCh37 (hg19) VCF-style: chr14-95566255-C-T.
Other names: c.4068G>A, p.Leu1356= (NM_001195573.1, NM_001271282.3, NM_001291628.2 and 1 more transcripts).
Identifiers: ClinVar variation 417050 (VCV000417050.15), dbSNP rs1060504959, ClinGen allele CA16614633.
Genomic context (GRCh38, chr14:95,099,918, plus strand): 5'-GGGATCAAATATTGACACCACCATGCGGCTGGGTAGTCCCTTCTTTTTTCCAAGGCGATA[C>T]AGATTACAGTTGCTGACCTTTAGCAGAAAATATTAGGATACTTATCCATAAATGATCACT-3'
Protein context (NP_803187.1, residues 1346-1366): MRSKKVSNCN[Leu1356=]YRLGKKKGLP

ClinVar aggregate classification (germline): Benign/Likely benign. Review status: criteria provided, multiple submitters, no conflicts (2 of 4 stars). 4 submissions from 4 submitters: Benign (1); Likely benign (3). Last evaluated 2026-08-18.

Conditions:
DICER1-related tumor predisposition. Also called: DICER1-related pleuropulmonary blastoma cancer predisposition syndrome; DICER1 syndrome. Identifiers: Orphanet 284343, MedGen C3839822, MONDO:0100216.
Hereditary cancer-predisposing syndrome. Also called: Hereditary Cancer Syndrome; Hereditary neoplastic syndrome; Neoplastic Syndromes, Hereditary; Tumor predisposition. Identifiers: Orphanet 140162, MedGen C0027672, MeSH D009386, MONDO:0015356.

Allele frequency attached by ClinVar (database versions not stated): gnomAD exomes below 0.00001.
gnomAD v4.1: 5 of 1,614,066 alleles (0.00031%); highest among the groups gnomAD compares: Middle Eastern, 0.033%; no homozygotes.

Submissions (4):

Myriad Genetics, Inc.
Classification: Benign for DICER1-related tumor predisposition. Last evaluated: 2026-08-18. Review status: criteria provided, single submitter. Criteria: Myriad Autosomal Dominant, Autosomal Recessive and X-Linked Classification Criteria (2023). Collection method: clinical testing. Allele origin: unknown.
Comment: This variant is considered benign. This variant is a silent/synonymous amino acid change and it is not expected to impact splicing.

Labcorp Genetics (formerly Invitae), Labcorp
Classification: Likely benign for DICER1-related tumor predisposition. Last evaluated: 2025-06-16. Review status: criteria provided, single submitter. Criteria: Invitae Variant Classification Sherloc (09022015). Collection method: clinical testing. Allele origin: germline.

Sema4
Classification: Likely benign for Hereditary cancer-predisposing syndrome. Last evaluated: 2022-01-21. Review status: criteria provided, single submitter. Criteria: Sema4 Curation Guidelines. Collection method: curation. Allele origin: germline.

Ambry Genetics
Classification: Likely benign for Hereditary cancer-predisposing syndrome. Last evaluated: 2018-03-13. Review status: criteria provided, single submitter. Criteria: Ambry Variant Classification Scheme 2023. Collection method: clinical testing. Allele origin: germline.